The following is an entry in ClinVar:

NM_004429.5(EFNB1):c.891C>T (p.Thr297=)

Gene: EFNB1 (ephrin B1; plus strand). Cytogenetic location: Xq13.1.
Variant type: single nucleotide variant.
Coding change: c.891C>T on transcript NM_004429.5 (MANE Select); coding-DNA position 891, C replaced by T.
Protein change: p.Thr297=; no amino-acid change (threonine 297 retained).
Molecular consequence: synonymous variant.
Genome position (GRCh38, 1-based): chrX:68,840,504, C>T. VCF-style: chrX-68840504-C-T. GRCh37 (hg19) VCF-style: chrX-68060347-C-T.
Identifiers: ClinVar variation 787691 (VCV000787691.13), dbSNP rs35202024, ClinGen allele CA10438252.

ClinVar aggregate classification (germline): Benign/Likely benign. Review status: criteria provided, multiple submitters, no conflicts (2 of 4 stars). 3 submissions from 3 submitters: Benign (1); Likely benign (1). 1 of the submissions does not count toward it. Last evaluated 2025-12-04.

Conditions:
EFNB1-related disorder. Also called: EFNB1-related condition.

Allele frequency attached by ClinVar (database versions not stated): 1000 Genomes Project 0.00053; 1000 Genomes Project 30x 0.00062; ESP Exome Variant Server 0.00095; gnomAD 0.00098 and 0.00100; TOPMed 0.00098; ExAC 0.00107; gnomAD exomes 0.00107 and 0.00153.
gnomAD v4.1: 1,816 of 1,209,786 alleles (0.15%); highest among the groups gnomAD compares: Non-Finnish European, 0.18%; 1 homozygote.

Submissions (3):

Labcorp Genetics (formerly Invitae), Labcorp
Classification: Benign. Last evaluated: 2025-12-04. Review status: criteria provided, single submitter. Criteria: Invitae Variant Classification Sherloc (09022015). Collection method: clinical testing. Allele origin: germline.

Blueprint Genetics
Classification: Likely benign. Last evaluated: 2024-11-13. Review status: criteria provided, single submitter. Criteria: ACMG Guidelines, 2015. Collection method: clinical testing. Allele origin: germline.

PreventionGenetics, part of Exact Sciences
Classification: Likely benign for EFNB1-related condition. Last evaluated: 2020-09-15. Review status: no assertion criteria provided. Collection method: clinical testing. Allele origin: germline. Not counted in ClinVar's aggregate classification.
Comment: This variant is classified as likely benign based on ACMG/AMP sequence variant interpretation guidelines (Richards et al. 2015 PMID: 25741868, with internal and published modifications).